The following is an entry in ClinVar:

NM_014712.3(SETD1A):c.2984A>C (p.Asp995Ala)

Gene: SETD1A (SET domain containing 1A, histone lysine methyltransferase; plus strand). Cytogenetic location: 16p11.2.
Variant type: single nucleotide variant.
Coding change: c.2984A>C on transcript NM_014712.3 (MANE Select); coding-DNA position 2984, A replaced by C.
Protein change: p.Asp995Ala; replaces aspartic acid 995 with alanine.
Molecular consequence: missense variant.
Genome position (GRCh38, 1-based): chr16:30,969,657, A>C. VCF-style: chr16-30969657-A-C. GRCh37 (hg19) VCF-style: chr16-30980978-A-C.
Other names: short protein forms D995A.
Identifiers: ClinVar variation 5017984 (VCV005017984.1).

ClinVar aggregate classification (germline): Uncertain significance (1 of 4 stars; one submission).

Submission:

GeneDx
Classification: Uncertain significance. Last evaluated: 2026-04-05. Review status: criteria provided, single submitter. Criteria: GeneDx Variant Classification Process June 2021. Collection method: clinical testing. Allele origin: germline.
Comment: Not observed at significant frequency in large population cohorts (gnomAD); In silico analysis suggests that this missense variant does not alter protein structure/function; Has not been previously published as pathogenic or benign to our knowledge